The following is an entry in ClinVar:

ClinVar aggregate classification (germline): Likely benign (1 of 4 stars; one submission).

Conditions:
Cerebral arteriopathy, autosomal dominant, with subcortical infarcts and leukoencephalopathy, type 1 (CADASIL1). Also called: CADASIL 1; Cerebral arteriopathy with subcortical infarcts and leukoencephalopathy 1; CASIL; DEMENTIA, HEREDITARY MULTIINFARCT TYPE. Identifiers: Orphanet 136, MedGen C4551768, MONDO:0000914, OMIM 125310.

Allele frequency attached by ClinVar (database versions not stated): 1000 Genomes Project 30x 0.01046; gnomAD 0.00239 and 0.00312; TOPMed 0.00455; gnomAD exomes 0.01248; 1000 Genomes Project 0.01118.
gnomAD v4.1: 1,417 of 233,160 alleles (0.61%); highest among the groups gnomAD compares: East Asian, 6.1%; 36 homozygotes.

Submission:

Illumina Laboratory Services, Illumina
Classification: Likely benign for Cerebral arteriopathy, autosomal dominant, with subcortical infarcts and leukoencephalopathy, type 1. Last evaluated: 2017-04-27. Review status: criteria provided, single submitter. Criteria: ICSL Variant Classification Criteria 13 December 2019. Collection method: clinical testing. Allele origin: germline.
Comment: This variant was observed as part of a predisposition screen in an ostensibly healthy population. A literature search was performed for the gene, cDNA change, and amino acid change (where applicable). No publications were found based on this search. Allele frequency data from public databases allowed determination this variant is unlikely to cause disease. Therefore, this variant is classified as likely benign.

NM_000435.3(NOTCH3):c.*937T>C

Gene: NOTCH3 (notch receptor 3; minus strand). Cytogenetic location: 19p13.12.
Variant type: single nucleotide variant.
Coding change: c.*937T>C on transcript NM_000435.3 (MANE Select); 937 bases downstream of the stop codon, T replaced by C.
Molecular consequence: 3 prime UTR variant.
Genome position (GRCh38, 1-based): chr19:15,159,725, A>G on the plus strand (T>C on the coding strand, the complement: NOTCH3 is on the minus strand). VCF-style: chr19-15159725-A-G. GRCh37 (hg19) VCF-style: chr19-15270536-A-G.
Identifiers: ClinVar variation 328356 (VCV000328356.5), dbSNP rs16980378, ClinGen allele CA10642359.